The following is an entry in ClinVar:

NM_000077.5(CDKN2A):c.351G>A (p.Leu117=)

Gene: CDKN2A (cyclin dependent kinase inhibitor 2A; minus strand). Cytogenetic location: 9p21.3.
Variant type: single nucleotide variant.
Coding change: c.351G>A on transcript NM_000077.5; coding-DNA position 351, G replaced by A.
Protein change: p.Leu117=; no amino-acid change (leucine 117 retained).
Molecular consequence: synonymous variant (on NM_000077.6). On other transcripts: missense variant (1), 3 prime UTR variant (1).
Genome position (GRCh38, 1-based): chr9:21,971,008, C>T on the plus strand (G>A on the coding strand, the complement: CDKN2A is on the minus strand). VCF-style: chr9-21971008-C-T. GRCh37 (hg19) VCF-style: chr9-21971007-C-T.
Other names: c.351G>A, p.Leu117= (NM_000077.6, NM_001195132.2); c.198G>A, p.Leu66= (NM_001363763.2); c.394G>A, p.Gly132Ser (NM_058195.4); c.*274G>A (NM_058197.5); short protein forms G132S.
Identifiers: ClinVar variation 414089 (VCV000414089.14), dbSNP rs1060504182, ClinGen allele CA16612790.

ClinVar aggregate classification (germline): Conflicting classifications of pathogenicity. Review status: criteria provided, conflicting classifications (1 of 4 stars). 3 submissions from 3 submitters: Uncertain significance (1); Likely benign (2). Last evaluated 2024-07-15.

Conditions:
Familial melanoma. Also called: Hereditary melanoma; Hereditary cutaneous melanoma. Identifiers: Orphanet 618, MedGen C1512419, MONDO:0018961.
Hereditary cancer-predisposing syndrome. Also called: Neoplastic Syndromes, Hereditary; Tumor predisposition; Hereditary Cancer Syndrome; Hereditary neoplastic syndrome. Identifiers: Orphanet 140162, MedGen C0027672, MeSH D009386, MONDO:0015356.

Submissions (3):

Ambry Genetics
Classification: Uncertain significance for Hereditary cancer-predisposing syndrome. Last evaluated: 2024-07-15. Review status: criteria provided, single submitter. Criteria: Ambry Variant Classification Scheme 2023. Collection method: clinical testing. Allele origin: germline.
Comment: The c.351G>A variant (also known asp.L117L), located in coding exon 2 of the CDKN2A gene, results from a G to A substitution at nucleotide position 351 and does not change the amino acid at position 117 of the p16 isoform. Of note, this variant is also known as p.G132S (c.394G>A) in the p14(ARF) isoform and results from a G to A substitution at nucleotide position 394. The evidence supporting a relationship between p14(ARF) and melanoma-pancreatic cancer syndrome is limited; therefore, the association of this variant with this gene-disease relationship is unknown. However, the association of this variant in the p16 isoform with melanoma-pancreatic cancer syndrome is unlikely.

Labcorp Genetics (formerly Invitae), Labcorp
Classification: Likely benign for Familial melanoma. Last evaluated: 2024-03-16. Review status: criteria provided, single submitter. Criteria: Invitae Variant Classification Sherloc (09022015). Collection method: clinical testing. Allele origin: germline.

Color Diagnostics, LLC DBA Color Health
Classification: Likely benign for Hereditary cancer-predisposing syndrome. Last evaluated: 2019-11-07. Review status: criteria provided, single submitter. Criteria: ACMG Guidelines, 2015. Collection method: clinical testing. Allele origin: germline.